The following is an entry in ClinVar:

NM_006440.5(TXNRD2):c.1401C>T (p.Gly467=)

Gene: TXNRD2 (thioredoxin reductase 2; minus strand). Cytogenetic location: 22q11.21.
Variant type: single nucleotide variant.
Coding change: c.1401C>T on transcript NM_006440.5 (MANE Select); coding-DNA position 1401, C replaced by T.
Protein change: p.Gly467=; no amino-acid change (glycine 467 retained).
Molecular consequence: synonymous variant. On other transcripts: non-coding transcript variant (1).
Genome position (GRCh38, 1-based): chr22:19,878,134, G>A on the plus strand (C>T on the coding strand, the complement: TXNRD2 is on the minus strand). VCF-style: chr22-19878134-G-A. GRCh37 (hg19) VCF-style: chr22-19865657-G-A.
Other names: c.1398C>T, p.Gly466= (NM_001352300.2); c.1311C>T, p.Gly437= (NM_001352301.2); c.1113C>T, p.Gly371= (NM_001352302.2).
Identifiers: ClinVar variation 263650 (VCV000263650.13), dbSNP rs886038873, ClinGen allele CA10587956.

ClinVar aggregate classification (germline): Conflicting classifications of pathogenicity. Review status: criteria provided, conflicting classifications (1 of 4 stars). 3 submissions from 3 submitters: Uncertain significance (1); Likely benign (2). Last evaluated 2023-12-21.

Conditions:
Cardiovascular phenotype. Identifiers: MedGen CN230736.
Primary dilated cardiomyopathy (DCM). Also called: Dilated Cardiomyopathy. Identifiers: Orphanet 217604, MedGen C0007193, MeSH D002311, MONDO:0005021, HP:0001644. Inheritance: Various modes of inheritance.

Allele frequency attached by ClinVar (database versions not stated): gnomAD exomes below 0.00001; gnomAD 0.00001; TOPMed 0.00002.
gnomAD v4.1: 14 of 1,613,324 alleles (0.00087%); highest among the groups gnomAD compares: African/African-American, 0.0013%; no homozygotes.

Submissions (3):

Ambry Genetics
Classification: Uncertain significance for Cardiovascular phenotype. Last evaluated: 2023-12-21. Review status: criteria provided, single submitter. Criteria: Ambry Variant Classification Scheme 2023. Collection method: clinical testing. Allele origin: germline.
Comment: The c.1401C>T variant (also known as p.G467G), located in coding exon 16 of the TXNRD2 gene, results from a C to T substitution at nucleotide position 1401. This nucleotide substitution does not change the glycine at codon 467. This nucleotide position is not well conserved in available vertebrate species. In silico splice site analysis predicts that this alteration may result in the creation or strengthening of a novel splice acceptor site. Since supporting evidence is limited at this time, the clinical significance of this alteration remains unclear.

Labcorp Genetics (formerly Invitae), Labcorp
Classification: Likely benign for Primary dilated cardiomyopathy. Last evaluated: 2022-09-21. Review status: criteria provided, single submitter. Criteria: Invitae Variant Classification Sherloc (09022015). Collection method: clinical testing. Allele origin: germline.

Blueprint Genetics
Classification: Likely benign. Last evaluated: 2020-06-09. Review status: criteria provided, single submitter. Criteria: ACMG Guidelines, 2015. Collection method: clinical testing. Allele origin: germline.